The following is an entry in ClinVar:

ClinVar aggregate classification (germline): Pathogenic (1 of 4 stars; one submission).

Conditions:
Bardet-Biedl syndrome (BBS). Identifiers: Orphanet 110, MedGen C0752166, MONDO:0015229.

Submission:

Labcorp Genetics (formerly Invitae), Labcorp
Classification: Pathogenic for Bardet-Biedl syndrome. Last evaluated: 2022-08-15. Review status: criteria provided, single submitter. Criteria: Invitae Variant Classification Sherloc (09022015). Collection method: clinical testing. Allele origin: germline.
Comment: This variant is not present in population databases (gnomAD no frequency). This premature translational stop signal has been observed in individual(s) with limb-girdle muscular dystrophy (Invitae). ClinVar contains an entry for this variant (Variation ID: 947407). This variant disrupts a region of the TRIM32 protein in which other variant(s) (p.Met370Cysfs*10, p.Leu457Phefs*43) have been determined to be pathogenic (Invitae). This suggests that this is a clinically significant region of the protein, and that variants that disrupt it are likely to be disease-causing. For these reasons, this variant has been classified as Pathogenic. This sequence change creates a premature translational stop signal (p.Leu253Hisfs*31) in the TRIM32 gene. While this is not anticipated to result in nonsense mediated decay, it is expected to disrupt the last 401 amino acid(s) of the TRIM32 protein.

NM_012210.4(TRIM32):c.758del (p.Leu253fs)

Genes: ASTN2 (astrotactin 2; minus strand), TRIM32 (tripartite motif containing 32; plus strand). Cytogenetic location: 9q33.1.
Variant type: Deletion.
Coding change: c.758del on transcript NM_012210.4 (MANE Select); coding-DNA position 758, one base deleted (T; older notation c.758delT).
Protein change: p.Leu253fs; shifts the reading frame from leucine 253.
Molecular consequence: frameshift variant. On other transcripts: intron variant (3).
Genome position (GRCh38, 1-based): chr9:116,698,500, T deleted. VCF-style (leftmost placement, unchanged base first): chr9-116698499-CT-C. GRCh37 (hg19) VCF-style: chr9-119460778-CT-C.
Other names: c.758del, p.Leu253fs (NM_001099679.2, NM_001379048.1, NM_001379049.1 and 1 more transcripts); c.758delT, p.Leu253Hisfs (NM_012210.3); c.2653+27271del (NM_014010.5); c.2794+27271del (NM_001365069.1); c.2806+27271del (NM_001365068.1); short protein forms L253fs.
Identifiers: ClinVar variation 947407 (VCV000947407.9), dbSNP rs1861000401, ClinGen allele CA1139661152.